The following is an entry in ClinVar:

ClinVar aggregate classification (germline): Likely benign (0 of 4 stars; one submission).

Conditions:
NRAP-related disorder. Also called: NRAP-related condition.

Allele frequency attached by ClinVar (database versions not stated): ExAC 0.00007.
gnomAD v4.1: 41 of 1,614,134 alleles (0.0025%); highest among the groups gnomAD compares: South Asian, 0.045%; 1 homozygote.

Submission:

PreventionGenetics, part of Exact Sciences
Classification: Likely benign for NRAP-related condition. Last evaluated: 2019-04-25. Review status: no assertion criteria provided. Collection method: clinical testing. Allele origin: germline.
Comment: This variant is classified as likely benign based on ACMG/AMP sequence variant interpretation guidelines (Richards et al. 2015 PMID: 25741868, with internal and published modifications).

NM_198060.4(NRAP):c.2314C>T (p.Leu772=)

Gene: NRAP (nebulin related anchoring protein; minus strand). Cytogenetic location: 10q25.3.
Variant type: single nucleotide variant.
Coding change: c.2314C>T on transcript NM_198060.4 (MANE Select); coding-DNA position 2314, C replaced by T.
Protein change: p.Leu772=; no amino-acid change (leucine 772 retained).
Molecular consequence: synonymous variant.
Genome position (GRCh38, 1-based): chr10:113,624,861, G>A on the plus strand (C>T on the coding strand, the complement: NRAP is on the minus strand). VCF-style: chr10-113624861-G-A. GRCh37 (hg19) VCF-style: chr10-115384620-G-A.
Other names: c.2314C>T, p.Leu772= (NM_001261463.2, NM_001322945.2); c.2209C>T, p.Leu737= (NM_006175.5).
Identifiers: ClinVar variation 3058427 (VCV003058427.2), dbSNP rs760795488, ClinGen allele CA5695233.